The following is an entry in ClinVar:

ClinVar aggregate classification (germline): Likely benign (1 of 4 stars; one submission).

Allele frequency attached by ClinVar (database versions not stated): ExAC 0.00011.
gnomAD v4.1: 15 of 1,564,508 alleles (0.00096%); highest among the groups gnomAD compares: Middle Eastern, 0.068%; no homozygotes.

Submission:

CeGaT Center for Human Genetics Tuebingen
Classification: Likely benign. Last evaluated: 2024-05-01. Review status: criteria provided, single submitter. Criteria: CeGaT Center For Human Genetics Tuebingen Variant Classification Criteria Version 2. Collection method: clinical testing. Allele origin: germline. Affected: yes. Observed: 1 variant allele.
Comment: AP3B2: BP4, BP7

NM_001278512.2(AP3B2):c.981C>A (p.Leu327=)

Genes: AP3B2 (adaptor related protein complex 3 subunit beta 2; minus strand), CPEB1-AS1 (CPEB1 antisense RNA 1; plus strand). Cytogenetic location: 15q25.2.
Variant type: single nucleotide variant.
Coding change: c.981C>A on transcript NM_001278512.2 (MANE Select); coding-DNA position 981, C replaced by A.
Protein change: p.Leu327=; no amino-acid change (leucine 327 retained).
Molecular consequence: synonymous variant.
Genome position (GRCh38, 1-based): chr15:82,680,546, G>T on the plus strand (C>A on the coding strand, the complement: AP3B2 is on the minus strand). VCF-style: chr15-82680546-G-T. GRCh37 (hg19) VCF-style: chr15-83349298-G-T.
Other names: c.885C>A, p.Leu295= (NM_001278511.2); c.981C>A, p.Leu327= (NM_004644.5).
Identifiers: ClinVar variation 3239188 (VCV003239188.19), dbSNP rs756215154.